The following is an entry in ClinVar:

ClinVar aggregate classification (germline): Uncertain significance (1 of 4 stars; one submission).

gnomAD v4.1: 2 of 1,599,942 alleles (0.00013%); highest among the groups gnomAD compares: Non-Finnish European, 0.00017%; no homozygotes.

Submission:

GeneDx
Classification: Uncertain significance. Last evaluated: 2024-05-21. Review status: criteria provided, single submitter. Criteria: GeneDx Variant Classification Process June 2021. Collection method: clinical testing. Allele origin: germline. Affected: yes.
Comment: Not observed at significant frequency in large population cohorts (gnomAD); In silico analysis indicates that this missense variant does not alter protein structure/function; Has not been previously published as pathogenic or benign to our knowledge

NM_001190274.2(FBXO11):c.601A>G (p.Met201Val)

Gene: FBXO11 (F-box protein 11; minus strand). Cytogenetic location: 2p16.3.
Variant type: single nucleotide variant.
Coding change: c.601A>G on transcript NM_001190274.2 (MANE Select); coding-DNA position 601, A replaced by G.
Protein change: p.Met201Val; replaces methionine 201 with valine.
Molecular consequence: missense variant.
Genome position (GRCh38, 1-based): chr2:47,835,988, T>C on the plus strand (A>G on the coding strand, the complement: FBXO11 is on the minus strand). VCF-style: chr2-47835988-T-C. GRCh37 (hg19) VCF-style: chr2-48063127-T-C.
Other names: c.349A>G, p.Met117Val (NM_001374325.1, NM_025133.4); short protein forms M117V, M201V.
Identifiers: ClinVar variation 3384435 (VCV003384435.1).